The following is an entry in ClinVar:

ClinVar aggregate classification (germline): Pathogenic/Likely pathogenic. Review status: criteria provided, multiple submitters, no conflicts (2 of 4 stars). 2 submissions from 2 submitters: Pathogenic (1); Likely pathogenic (1). Last evaluated 2025-03-18.

Conditions:
Congenital muscular hypertrophy-cerebral syndrome (CDLS2). Also called: SMC1A-Related Cornelia de Lange Syndrome; Cornelia de Lange syndrome 2. Identifiers: Orphanet 199, MedGen C1802395, MONDO:0010370, OMIM 300590.

Submissions (2):

GeneDx
Classification: Likely pathogenic. Last evaluated: 2025-03-18. Review status: criteria provided, single submitter. Criteria: GeneDx Variant Classification Process June 2021. Collection method: clinical testing. Allele origin: germline.
Comment: Not observed at significant frequency in large population cohorts (gnomAD); In silico analysis supports a deleterious effect on splicing; Has not been previously published as pathogenic or benign to our knowledge

Labcorp Genetics (formerly Invitae), Labcorp
Classification: Pathogenic for Congenital muscular hypertrophy-cerebral syndrome. Last evaluated: 2022-11-01. Review status: criteria provided, single submitter. Criteria: Invitae Variant Classification Sherloc (09022015). Collection method: clinical testing. Allele origin: germline.
Comment: This variant is not present in population databases (gnomAD no frequency). This variant has been observed in individual(s) with clinical features of early onset epileptic encephalopathy (Invitae). In at least one individual the variant was observed to be de novo. Algorithms developed to predict the effect of sequence changes on RNA splicing suggest that this variant may disrupt the consensus splice site. For these reasons, this variant has been classified as Pathogenic. This sequence change affects codon 445 of the SMC1A mRNA. It is a 'silent' change, meaning that it does not change the encoded amino acid sequence of the SMC1A protein.

NM_006306.4(SMC1A):c.1335C>T (p.Ser445=)

Gene: SMC1A (structural maintenance of chromosomes 1A; minus strand). Cytogenetic location: Xp11.22.
Variant type: single nucleotide variant.
Coding change: c.1335C>T on transcript NM_006306.4 (MANE Select); coding-DNA position 1335, C replaced by T.
Protein change: p.Ser445=; no amino-acid change (serine 445 retained).
Molecular consequence: synonymous variant.
Genome position (GRCh38, 1-based): chrX:53,409,423, G>A on the plus strand (C>T on the coding strand, the complement: SMC1A is on the minus strand). VCF-style: chrX-53409423-G-A. GRCh37 (hg19) VCF-style: chrX-53436354-G-A.
Other names: c.1269C>T, p.Ser423= (NM_001281463.1); c.1335C>T (NM_006306.2).
Identifiers: ClinVar variation 2033254 (VCV002033254.6), dbSNP rs2520944818, ClinGen allele CA516562021.
Genomic context (GRCh38, chrX:53,409,423, plus strand): 5'-TAGGTAGGGTCACAAGAACAGGCCTGGAAGTAAGGGGGACAGATGCAGAGCTACATACTT[G>A]CTAGTGGTGATGTATTCCTCCAGTTTCTCAATCCGCTTCTGATTCTCTTCAATTTCCCGC-3'
Protein context (NP_006297.2, residues 435-455): IEKLEEYITT[Ser445=]KQSLEEQKKL